The following is an entry in ClinVar:

ClinVar aggregate classification (germline): Likely pathogenic (1 of 4 stars; one submission).

Conditions:
Severe combined immunodeficiency disease. Also called: Severe Combined Immune Deficiency; Severe combined immunodeficiency. Identifiers: Orphanet 183660, MedGen C0085110, MeSH D016511, MONDO:0015974, HP:0004430. Inheritance: X-Linked or Autosomal recessive.

Submission:

Women's Health and Genetics/Laboratory Corporation of America, LabCorp
Classification: Likely pathogenic for Severe combined immunodeficiency disease. Last evaluated: 2022-04-25. Review status: criteria provided, single submitter. Criteria: LabCorp Variant Classification Summary - May 2015. Collection method: clinical testing. Allele origin: germline.
Comment: Variant summary: IKBKB c.2205+2T>C is located in a canonical splice-site and is predicted to affect mRNA splicing resulting in a significantly altered protein due to either exon skipping, shortening, or inclusion of intronic material. Several computational tools predict a significant impact on normal splicing: Four predict the variant abolishes a 5' splicing donor site. However, these predictions have yet to be confirmed by functional studies. The variant was absent in 249342 control chromosomes (gnomAD). To our knowledge, no occurrence of c.2205+2T>C in individuals affected with Severe Combined Immunodeficiency and no experimental evidence demonstrating its impact on protein function have been reported. No clinical diagnostic laboratories have submitted clinical-significance assessments for this variant to ClinVar after 2014. Based on the evidence outlined above, the variant was classified as likely pathogenic.

NM_001556.3(IKBKB):c.2205+2T>C

Gene: IKBKB (inhibitor of nuclear factor kappa B kinase subunit beta; plus strand). Cytogenetic location: 8p11.21.
Variant type: single nucleotide variant.
Coding change: c.2205+2T>C on transcript NM_001556.3 (MANE Select); the canonical splice donor site of the intron after coding-DNA position 2205, T replaced by C.
Molecular consequence: splice donor variant.
Genome position (GRCh38, 1-based): chr8:42,329,216, T>C. VCF-style: chr8-42329216-T-C. GRCh37 (hg19) VCF-style: chr8-42186734-T-C.
Other names: c.2028+2T>C (NM_001242778.2); c.2013+2T>C (NM_001190720.3).
Identifiers: ClinVar variation 1683291 (VCV001683291.1), dbSNP rs2130736002, ClinGen allele CA371094952.